The following is an entry in ClinVar:

NM_177559.3(CSNK2A1):c.511-3C>T

Gene: CSNK2A1 (casein kinase 2 alpha 1; minus strand). Cytogenetic location: 20p13.
Variant type: single nucleotide variant.
Coding change: c.511-3C>T on transcript NM_177559.3 (MANE Select); 3 bases into the intron before coding-DNA position 511, C replaced by T.
Molecular consequence: intron variant.
Genome position (GRCh38, 1-based): chr20:492,367, G>A on the plus strand (C>T on the coding strand, the complement: CSNK2A1 is on the minus strand). VCF-style: chr20-492367-G-A. GRCh37 (hg19) VCF-style: chr20-473011-G-A.
Other names: c.103-3C>T (NM_177560.3); c.511-3C>T (NM_001362771.2, NM_001895.4, NM_001362770.2 and 1 more transcripts).
Identifiers: ClinVar variation 3339255 (VCV003339255.2).

ClinVar aggregate classification (germline): Uncertain significance. Review status: criteria provided, multiple submitters, no conflicts (2 of 4 stars). 2 submissions from 2 submitters: Uncertain significance (2). Last evaluated 2024-11-20.

Conditions:
Inborn genetic diseases. Identifiers: MedGen C0950123, MeSH D030342.

Submissions (2):

Ambry Genetics
Classification: Uncertain significance for Inborn genetic diseases. Last evaluated: 2024-11-20. Review status: criteria provided, single submitter. Criteria: Ambry Variant Classification Scheme 2023. Collection method: clinical testing. Allele origin: germline.
Comment: The c.511-3C>T intronic alteration consists of a C to T substitution 3 nucleotides before coding exon 7 in the CSNK2A1 gene. Based on insufficient or conflicting evidence, the clinical significance of this alteration remains unclear.

Women's Health and Genetics/Laboratory Corporation of America, LabCorp
Classification: Uncertain significance. Last evaluated: 2024-07-30. Review status: criteria provided, single submitter. Criteria: LabCorp Variant Classification Summary - May 2015. Collection method: clinical testing. Allele origin: germline.
Comment: Variant summary: CSNK2A1 c.511-3C>T alters a conserved nucleotide located close to a canonical splice site and therefore could affect mRNA splicing, leading to a significantly altered protein sequence. Consensus agreement among computation tools predict no significant impact on normal splicing. However, these predictions have yet to be confirmed by functional studies. The variant was absent in 251108 control chromosomes. The available data on variant occurrences in the general population are insufficient to allow any conclusion about variant significance. To our knowledge, no occurrence of c.511-3C>T in individuals affected with Okur-Chung Neurodevelopmental Syndrome and no experimental evidence demonstrating its impact on protein function have been reported. No submitters have cited clinical-significance assessments for this variant to ClinVar. Based on the evidence outlined above, the variant was classified as uncertain significance.